The following is an entry in ClinVar:

ClinVar aggregate classification (germline): Benign. Review status: criteria provided, multiple submitters, no conflicts (2 of 4 stars). 3 submissions from 3 submitters: Benign (2). 1 of the submissions does not count toward it. Last evaluated 2018-04-30.

Conditions:
PLXNA3-related disorder. Also called: PLXNA3-related condition.

Allele frequency attached by ClinVar (database versions not stated): gnomAD exomes 0.00058 and 0.00129; ExAC 0.00127; 1000 Genomes Project 0.00424; gnomAD 0.00434 and 0.00455; 1000 Genomes Project 30x 0.00437; TOPMed 0.00464; ESP Exome Variant Server 0.00473.
gnomAD v4.1: 1,185 of 1,211,666 alleles (0.098%); highest among the groups gnomAD compares: African/African-American, 1.5%; 7 homozygotes.

Submissions (3):

Labcorp Genetics (formerly Invitae), Labcorp
Classification: Benign. Last evaluated: 2018-04-30. Review status: criteria provided, single submitter. Criteria: Invitae Variant Classification Sherloc (09022015). Collection method: clinical testing. Allele origin: germline.

Breakthrough Genomics
Classification: Benign. Review status: criteria provided, single submitter. Criteria: ACMG Guidelines, 2015. Collection method: not provided. Allele origin: germline. Inheritance: Unknown mechanism. Affected: yes.

PreventionGenetics, part of Exact Sciences
Classification: Benign for PLXNA3-related condition. Last evaluated: 2019-03-21. Review status: no assertion criteria provided. Collection method: clinical testing. Allele origin: germline. Not counted in ClinVar's aggregate classification.
Comment: This variant is classified as benign based on ACMG/AMP sequence variant interpretation guidelines (Richards et al. 2015 PMID: 25741868, with internal and published modifications).

NM_017514.5(PLXNA3):c.786C>T (p.Ile262=)

Gene: PLXNA3 (plexin A3; plus strand). Cytogenetic location: Xq28.
Variant type: single nucleotide variant.
Coding change: c.786C>T on transcript NM_017514.5 (MANE Select); coding-DNA position 786, C replaced by T.
Protein change: p.Ile262=; no amino-acid change (isoleucine 262 retained).
Molecular consequence: synonymous variant.
Genome position (GRCh38, 1-based): chrX:154,461,290, C>T. VCF-style: chrX-154461290-C-T. GRCh37 (hg19) VCF-style: chrX-153689630-C-T.
Identifiers: ClinVar variation 791145 (VCV000791145.6), dbSNP rs113031143, ClinGen allele CA10563810.
Genomic context (GRCh38, chrX:154,461,290, plus strand): 5'-GCTGGACACCCAGCAGACGCTGTTGGACACAGCGGGCGAGAAATTTTTCACGTCCAAGAT[C>T]GTGCGCATGTGCGCGGGAGACTCAGAGTTCTACTCATACGTGGAATTCCCCATCGGCTGC-3'
Protein context (NP_059984.3, residues 252-272): TAGEKFFTSK[Ile262=]VRMCAGDSEF